The following is an entry in ClinVar:

NM_144997.7(FLCN):c.236C>G (p.Ser79Trp)

Gene: FLCN (folliculin; minus strand). Cytogenetic location: 17p11.2.
Variant type: single nucleotide variant.
Coding change: c.236C>G on transcript NM_144997.7 (MANE Select); coding-DNA position 236, C replaced by G.
Protein change: p.Ser79Trp; replaces serine 79 with tryptophan.
Molecular consequence: missense variant.
Genome position (GRCh38, 1-based): chr17:17,227,902, G>C on the plus strand (C>G on the coding strand, the complement: FLCN is on the minus strand). VCF-style: chr17-17227902-G-C. GRCh37 (hg19) VCF-style: chr17-17131216-G-C.
Other names: c.236C>G, p.Ser79Trp (LRG_325t1, NM_001353229.2, NM_001353230.2 and 2 more transcripts); short protein forms S79W.
Identifiers: ClinVar variation 3369 (VCV000003369.6), dbSNP rs137852930, ClinGen allele CA250446.

ClinVar aggregate classification (germline): Uncertain significance. Review status: criteria provided, single submitter (1 of 4 stars). 2 submissions from 2 submitters: Uncertain significance (1). 1 of the submissions does not count toward it. Last evaluated 2022-07-05.

Conditions:
Carcinoma of colon (CRC). Also called: Colonic carcinoma; Colon carcinoma. Identifiers: MedGen C0699790, MONDO:0002032.
Birt-Hogg-Dube syndrome. Also called: Birt Hogg Dubé syndrome. Identifiers: Orphanet 122, MedGen C0346010, MONDO:0800444.

Submissions (2):

Labcorp Genetics (formerly Invitae), Labcorp
Classification: Uncertain significance for Birt-Hogg-Dube syndrome. Last evaluated: 2022-07-05. Review status: criteria provided, single submitter. Criteria: Invitae Variant Classification Sherloc (09022015). Collection method: clinical testing. Allele origin: germline.
Comment: In summary, the available evidence is currently insufficient to determine the role of this variant in disease. Therefore, it has been classified as a Variant of Uncertain Significance. Algorithms developed to predict the effect of missense changes on protein structure and function are either unavailable or do not agree on the potential impact of this missense change (SIFT: "Deleterious"; PolyPhen-2: "Possibly Damaging"; Align-GVGD: "Class C15"). ClinVar contains an entry for this variant (Variation ID: 3369). This variant has not been reported in the literature in individuals affected with FLCN-related conditions. This variant is not present in population databases (gnomAD no frequency). This sequence change replaces serine, which is neutral and polar, with tryptophan, which is neutral and slightly polar, at codon 79 of the FLCN protein (p.Ser79Trp).

OMIM
Classification: Pathogenic for COLORECTAL CANCER, SOMATIC. Last evaluated: 2003-07-01. Review status: no assertion criteria provided. Collection method: literature only. Allele origin: somatic. Not counted in ClinVar's aggregate classification.

Literature cited by the submitters: PubMed 12843323 (cited by OMIM).